The following is an entry in ClinVar:

NM_145868.2(ANXA11):c.980G>A (p.Arg327Gln)

Gene: ANXA11 (annexin A11; minus strand). Cytogenetic location: 10q22.3.
Variant type: single nucleotide variant.
Coding change: c.980G>A on transcript NM_145868.2 (MANE Select); coding-DNA position 980, G replaced by A.
Protein change: p.Arg327Gln; replaces arginine 327 with glutamine.
Molecular consequence: missense variant.
Genome position (GRCh38, 1-based): chr10:80,163,583, C>T on the plus strand (G>A on the coding strand, the complement: ANXA11 is on the minus strand). VCF-style: chr10-80163583-C-T. GRCh37 (hg19) VCF-style: chr10-81923339-C-T.
Other names: c.980G>A, p.Arg327Gln (NM_001157.3, NM_001278407.2, NM_001278408.2 and 1 more transcripts); c.881G>A, p.Arg294Gln (NM_001278409.2); c.980G>A (NM_145869.1); short protein forms R294Q, R327Q.
Identifiers: ClinVar variation 1901188 (VCV001901188.6), dbSNP rs149646596, ClinGen allele CA5575999.

ClinVar aggregate classification (germline): Uncertain significance. Review status: criteria provided, single submitter (1 of 4 stars). 2 submissions from 2 submitters: Uncertain significance (1). 1 of the submissions does not count toward it. Last evaluated 2025-10-13.

Conditions:
ANXA11-related disorder. Also called: ANXA11-related condition.

Allele frequency attached by ClinVar (database versions not stated): gnomAD exomes 0.00002; gnomAD 0.00005; TOPMed 0.00006; ExAC 0.00011; ESP Exome Variant Server 0.00015.
gnomAD v4.1: 29 of 1,563,882 alleles (0.0019%); highest among the groups gnomAD compares: East Asian, 0.0024%; no homozygotes.

Submissions (2):

Labcorp Genetics (formerly Invitae), Labcorp
Classification: Uncertain significance. Last evaluated: 2025-10-13. Review status: criteria provided, single submitter. Criteria: Invitae Variant Classification Sherloc (09022015). Collection method: clinical testing. Allele origin: germline.
Comment: This sequence change replaces arginine, which is basic and polar, with glutamine, which is neutral and polar, at codon 327 of the ANXA11 protein (p.Arg327Gln). This variant is present in population databases (rs149646596, gnomAD 0.008%). This variant has not been reported in the literature in individuals affected with ANXA11-related conditions. ClinVar contains an entry for this variant (Variation ID: 1901188). An algorithm developed to predict the effect of missense changes on protein structure and function (PolyPhen-2) suggests that this variant is likely to be tolerated. In summary, the available evidence is currently insufficient to determine the role of this variant in disease. Therefore, it has been classified as a Variant of Uncertain Significance.

PreventionGenetics, part of Exact Sciences
Classification: Uncertain significance for ANXA11-related condition. Last evaluated: 2024-06-18. Review status: no assertion criteria provided. Collection method: clinical testing. Allele origin: germline. Not counted in ClinVar's aggregate classification.
Comment: The ANXA11 c.980G>A variant is predicted to result in the amino acid substitution p.Arg327Gln. To our knowledge, this variant has not been reported in the literature. This variant is reported in 0.0082% of alleles in individuals of European (Non-Finnish) descent in gnomAD. At this time, the clinical significance of this variant is uncertain due to the absence of conclusive functional and genetic evidence.